The following continues an entry in ClinVar:

NM_000543.5(SMPD1):c.757G>C (p.Asp253His)

Gene: SMPD1. ClinVar aggregate classification (germline): Pathogenic/Likely pathogenic. Pathogenic (5); Likely pathogenic (5).

Submissions 9 to 13 of 13:

Laboratory for Molecular Medicine, Mass General Brigham Personalized Medicine
Classification: Likely pathogenic for Niemann-Pick disease, type A. Last evaluated: 2017-01-24. Review status: criteria provided, single submitter. Criteria: LMM Criteria. Collection method: clinical testing. Allele origin: germline. Inheritance: Autosomal recessive inheritance. Observed: 1 variant allele.
Comment: The p.Asp253His (NM_000543.4 c.757G>C) variant in SMPD1 has been reported in one compound heterozygous individual with acid sphingomyelinase deficiency (Niemann -Pick disease) (Desnick 2010) and one individual who had a child with Niemann-Pi ck disease type A, whose partner carried a pathogenic variant in the gene (ClinV ar and personal communicat ion with Emory Genetics Laboratory). This variant has been identified in 1/65,79 4 of European chromosomes by the Exome Aggregation Consortium (ExAC .; dbSNP rs398123479). Computational prediction tools and cons ervation analysis suggest that the p.Asp253His variant may impact the protein, t hough this information is not predictive enough to determine pathogenicity. In v itro functional studies provide some evidence that the p.Asp253His variant may i mpact protein function (Desnick 2010). However, these types of assays may not ac curately represent biological function. In summary, although additional studies are required to fully establish its clinical significance, the p.Asp253His vari ant is likely pathogenic for autosomal recessive acid sphingomyelinase deficienc y, based upon observation in patients and supportive population, functional and predictive data.

Eurofins Ntd Llc (ga)
Classification: Pathogenic. Last evaluated: 2016-12-27. Review status: criteria provided, single submitter. Criteria: EGL Classification Definitions 2015. Collection method: clinical testing. Allele origin: germline. Observed: 4 variant alleles, 3 heterozygotes, 1 homozygote.

PreventionGenetics, part of Exact Sciences
Classification: Likely pathogenic for SMPD1-related condition. Last evaluated: 2024-04-01. Review status: no assertion criteria provided. Collection method: clinical testing. Allele origin: germline. Not counted in ClinVar's aggregate classification.
Comment: The SMPD1 c.757G>C variant is predicted to result in the amino acid substitution p.Asp253His. This variant was reported in the heterozygous state along with a second potentially causative variant in two individuals with Niemann-Pick disease, and exhibited <1% of wild-type enzymatic activity in an in vitro functional assay (Desnick et al. 2010. PubMed ID: 20386867; Thurberg. 2020. PubMed ID: 32714837). An alternate nucleotide change affecting the same amino acid (p.Asp253Glu), has been reported in individuals with SMPD1-associated disease (Pavlu-Pereira et al. 2005. PubMed ID: 15877209; Hu et al. 2021. PubMed ID: 33675270). This variant is reported in 0.0035% of alleles in individuals of European (Non-Finnish) descent in gnomAD. This variant is interpreted as likely pathogenic.

Counsyl
Classification: Likely pathogenic for Niemann-Pick disease, type A. Last evaluated: 2019-07-24. Review status: no assertion criteria provided. Collection method: clinical testing. Allele origin: unknown. Not counted in ClinVar's aggregate classification.

Counsyl
Classification: Likely pathogenic for Niemann-Pick disease, type B. Last evaluated: 2019-07-24. Review status: no assertion criteria provided. Collection method: clinical testing. Allele origin: unknown. Not counted in ClinVar's aggregate classification.

Literature cited by the submitters: PubMed 20386867 (cited by 6 submitters); PubMed 32714837 (cited by 3 submitters); PubMed 23356216 (cited by Labcorp Genetics (formerly Invitae), Labcorp and Laboratory for Molecular Medicine, Mass General Brigham Personalized Medicine); PubMed 38992987 (cited by Natera, Inc.); PubMed 26499107 (cited by Women's Health and Genetics/Laboratory Corporation of America, LabCorp and Laboratory for Molecular Medicine, Mass General Brigham Personalized Medicine); PubMed 27659707 (cited by Women's Health and Genetics/Laboratory Corporation of America, LabCorp); PubMed 27349982 (cited by Broad Center for Mendelian Genomics, Broad Institute of MIT and Harvard); PubMed 15557261 (cited by Broad Center for Mendelian Genomics, Broad Institute of MIT and Harvard).